The following is an entry in ClinVar:

NM_006767.4(LZTR1):c.2460C>G (p.Ile820Met)

Gene: LZTR1 (leucine zipper like post translational regulator 1; plus strand). Cytogenetic location: 22q11.21.
Variant type: single nucleotide variant.
Coding change: c.2460C>G on transcript NM_006767.4 (MANE Select); coding-DNA position 2460, C replaced by G.
Protein change: p.Ile820Met; replaces isoleucine 820 with methionine.
Molecular consequence: missense variant.
Genome position (GRCh38, 1-based): chr22:20,997,285, C>G. VCF-style: chr22-20997285-C-G. GRCh37 (hg19) VCF-style: chr22-21351574-C-G.
Other names: short protein forms I820M.
Identifiers: ClinVar variation 1791627 (VCV001791627.5), dbSNP rs2518626758, ClinGen allele CA410781703.

ClinVar aggregate classification (germline): Uncertain significance. Review status: criteria provided, multiple submitters, no conflicts (2 of 4 stars). 2 submissions from 2 submitters: Uncertain significance (2). Last evaluated 2025-11-03.

Conditions:
Hereditary cancer-predisposing syndrome. Also called: Hereditary Cancer Syndrome; Hereditary neoplastic syndrome; Tumor predisposition; Neoplastic Syndromes, Hereditary. Identifiers: Orphanet 140162, MedGen C0027672, MeSH D009386, MONDO:0015356.
Cardiovascular phenotype. Identifiers: MedGen CN230736.

Allele frequency attached by ClinVar (database versions not stated): gnomAD exomes below 0.00001.

Submissions (2):

Ambry Genetics
Classification: Uncertain significance for Cardiovascular phenotype; Hereditary cancer-predisposing syndrome. Last evaluated: 2025-11-03. Review status: criteria provided, single submitter. Criteria: Ambry Variant Classification Scheme 2023. Collection method: clinical testing. Allele origin: germline.
Comment: The p.I820M variant (also known as c.2460C>G), located in coding exon 21 of the LZTR1 gene, results from a C to G substitution at nucleotide position 2460. The isoleucine at codon 820 is replaced by methionine, an amino acid with highly similar properties. This amino acid position is highly conserved in available vertebrate species. In addition, this alteration is predicted to be tolerated by in silico analysis. Based on the available evidence, the clinical significance of this variant remains unclear.

Labcorp Genetics (formerly Invitae), Labcorp
Classification: Uncertain significance. Last evaluated: 2025-05-18. Review status: criteria provided, single submitter. Criteria: Invitae Variant Classification Sherloc (09022015). Collection method: clinical testing. Allele origin: germline.
Comment: This sequence change replaces isoleucine, which is neutral and non-polar, with methionine, which is neutral and non-polar, at codon 820 of the LZTR1 protein (p.Ile820Met). This variant is not present in population databases (gnomAD no frequency). This variant has not been reported in the literature in individuals affected with LZTR1-related conditions. ClinVar contains an entry for this variant (Variation ID: 1791627). Invitae Evidence Modeling of protein sequence and biophysical properties (such as structural, functional, and spatial information, amino acid conservation, physicochemical variation, residue mobility, and thermodynamic stability) indicates that this missense variant is not expected to disrupt LZTR1 protein function with a negative predictive value of 80%. In summary, the available evidence is currently insufficient to determine the role of this variant in disease. Therefore, it has been classified as a Variant of Uncertain Significance.